The following is an entry in ClinVar:

NM_000327.4(ROM1):c.350T>A (p.Val117Asp)

Gene: ROM1 (retinal outer segment membrane protein 1; plus strand). Cytogenetic location: 11q12.3.
Variant type: single nucleotide variant.
Coding change: c.350T>A on transcript NM_000327.4 (MANE Select); coding-DNA position 350, T replaced by A.
Protein change: p.Val117Asp; replaces valine 117 with aspartic acid.
Molecular consequence: missense variant.
Genome position (GRCh38, 1-based): chr11:62,613,631, T>A. VCF-style: chr11-62613631-T-A. GRCh37 (hg19) VCF-style: chr11-62381103-T-A.
Other names: short protein forms V117D.
Identifiers: ClinVar variation 1506465 (VCV001506465.8), dbSNP rs2134421641, ClinGen allele CA380969425.

ClinVar aggregate classification (germline): Uncertain significance (1 of 4 stars; one submission).

Submission:

Labcorp Genetics (formerly Invitae), Labcorp
Classification: Uncertain significance. Last evaluated: 2022-02-04. Review status: criteria provided, single submitter. Criteria: Invitae Variant Classification Sherloc (09022015). Collection method: clinical testing. Allele origin: germline.
Comment: In summary, the available evidence is currently insufficient to determine the role of this variant in disease. Therefore, it has been classified as a Variant of Uncertain Significance. Algorithms developed to predict the effect of missense changes on protein structure and function are either unavailable or do not agree on the potential impact of this missense change (SIFT: "Deleterious"; PolyPhen-2: "Benign"; Align-GVGD: "Class C15"). This variant has not been reported in the literature in individuals affected with ROM1-related conditions. This variant is not present in population databases (gnomAD no frequency). This sequence change replaces valine, which is neutral and non-polar, with aspartic acid, which is acidic and polar, at codon 117 of the ROM1 protein (p.Val117Asp).